The following is an entry in ClinVar:

ClinVar aggregate classification (germline): Uncertain significance (1 of 4 stars; one submission).

Conditions:
Centromeric instability of chromosomes 1,9 and 16 and immunodeficiency (ICF1). Also called: CENTROMERIC INSTABILITY, IMMUNODEFICIENCY SYNDROME; IMMUNE DEFICIENCY, VARIABLE, WITH CENTROMERIC INSTABILITY OF CHROMOSOMES 1, 9, AND 16; IMMUNODEFICIENCY SYNDROME, VARIABLE; Immunodeficiency-centromeric instability-facial anomalies. Identifiers: Orphanet 2268, MedGen C0398788, MONDO:0000133.

gnomAD v4.1: 2 of 1,614,042 alleles (0.00012%); highest among the groups gnomAD compares: East Asian, 0.0045%; no homozygotes.

Submission:

Labcorp Genetics (formerly Invitae), Labcorp
Classification: Uncertain significance for Centromeric instability of chromosomes 1,9 and 16 and immunodeficiency. Last evaluated: 2021-08-28. Review status: criteria provided, single submitter. Criteria: Invitae Variant Classification Sherloc (09022015). Collection method: clinical testing. Allele origin: germline.
Comment: This sequence change replaces valine with leucine at codon 818 of the DNMT3B protein (p.Val818Leu). The valine residue is highly conserved and there is a small physicochemical difference between valine and leucine. This variant is present in population databases (rs121908940, ExAC 0.02%). This variant has not been reported in the literature in individuals affected with DNMT3B-related conditions. Algorithms developed to predict the effect of missense changes on protein structure and function are either unavailable or do not agree on the potential impact of this missense change (SIFT: "Deleterious"; PolyPhen-2: "Probably Damaging"; Align-GVGD: "Class C0"). In summary, the available evidence is currently insufficient to determine the role of this variant in disease. Therefore, it has been classified as a Variant of Uncertain Significance.

NM_006892.4(DNMT3B):c.2452G>T (p.Val818Leu)

Gene: DNMT3B (DNA methyltransferase 3 beta; plus strand). Cytogenetic location: 20q11.21.
Variant type: single nucleotide variant.
Coding change: c.2452G>T on transcript NM_006892.4 (MANE Select); coding-DNA position 2452, G replaced by T.
Protein change: p.Val818Leu; replaces valine 818 with leucine.
Molecular consequence: missense variant.
Genome position (GRCh38, 1-based): chr20:32,807,793, G>T. VCF-style: chr20-32807793-G-T. GRCh37 (hg19) VCF-style: chr20-31395599-G-T.
Other names: c.2077G>T, p.Val693Leu (NM_001207055.2); c.1975G>T, p.Val659Leu (NM_001207056.2); c.2392G>T, p.Val798Leu (NM_175848.2); c.2203G>T, p.Val735Leu (NM_175849.2); c.2428G>T, p.Val810Leu (NM_175850.3); short protein forms V659L, V798L, V818L, V735L, V693L, V810L.
Identifiers: ClinVar variation 954804 (VCV000954804.7), dbSNP rs121908940, ClinGen allele CA9810922.